The following is an entry in ClinVar:

ClinVar aggregate classification (germline): Likely benign. Review status: criteria provided, multiple submitters, no conflicts (2 of 4 stars). 3 submissions from 3 submitters: Likely benign (3). Last evaluated 2026-04-01.

Conditions:
Cardiovascular phenotype. Identifiers: MedGen CN230736.

gnomAD v4.1: 18 of 1,549,730 alleles (0.0012%); highest among the groups gnomAD compares: Non-Finnish European, 0.0015%; no homozygotes.

Submissions (3):

CeGaT Center for Human Genetics Tuebingen
Classification: Likely benign. Last evaluated: 2026-04-01. Review status: criteria provided, single submitter. Criteria: CeGaT Center For Human Genetics Tuebingen Variant Classification Criteria Version 2. Collection method: clinical testing. Allele origin: germline. Affected: yes. Observed: 1 variant allele.
Comment: ZNF469: BP4, BP7

Labcorp Genetics (formerly Invitae), Labcorp
Classification: Likely benign. Last evaluated: 2025-09-13. Review status: criteria provided, single submitter. Criteria: Invitae Variant Classification Sherloc (09022015). Collection method: clinical testing. Allele origin: germline.

Ambry Genetics
Classification: Likely benign for Cardiovascular phenotype. Last evaluated: 2019-05-16. Review status: criteria provided, single submitter. Criteria: Ambry Variant Classification Scheme 2023. Collection method: clinical testing. Allele origin: germline.

NM_001367624.2(ZNF469):c.6201G>A (p.Ala2067=)

Gene: ZNF469 (zinc finger protein 469; plus strand). Cytogenetic location: 16q24.2.
Variant type: single nucleotide variant.
Coding change: c.6201G>A on transcript NM_001367624.2 (MANE Select); coding-DNA position 6201, G replaced by A.
Protein change: p.Ala2067=; no amino-acid change (alanine 2067 retained).
Molecular consequence: synonymous variant.
Genome position (GRCh38, 1-based): chr16:88,433,671, G>A. VCF-style: chr16-88433671-G-A. GRCh37 (hg19) VCF-style: chr16-88500079-G-A.
Other names: NM_001127464.1:c.6117G>A.
Identifiers: ClinVar variation 1614198 (VCV001614198.12), dbSNP rs971155329, ClinGen allele CA286381268.
Genomic context (GRCh38, chr16:88,433,671, plus strand): 5'-CCTTCAGGAGGAGGCCGAGCCCACCCCAAGCCCCCCGTCCCCTAATAGGGAGTCCCTGGC[G>A]CTGGCCTTGACAGCAGCCCACAGCCGAAGTGGATCTGAGGGCCGGACTCCAGAGAGGGCG-3'
Protein context (NP_001354553.1, residues 2057-2077): SPPSPNRESL[Ala2067=]LALTAAHSRS